The following is an entry in ClinVar:

ClinVar aggregate classification (germline): Uncertain significance (1 of 4 stars; one submission).

Conditions:
Cardiovascular phenotype. Identifiers: MedGen CN230736.

Submission:

Ambry Genetics
Classification: Uncertain significance for Cardiovascular phenotype. Last evaluated: 2016-06-28. Review status: criteria provided, single submitter. Criteria: Ambry Variant Classification Scheme 2023. Collection method: clinical testing. Allele origin: germline.
Comment: The p.A605V variant (also known as c.1814C>T), located in coding exon 10 of the JUP gene, results from a C to T substitution at nucleotide position 1814. The alanine at codon 605 is replaced by valine, an amino acid with similar properties. This variant was not reported in population based cohorts in the following databases: Database of Single Nucleotide Polymorphisms (dbSNP), Exome Aggregation Consortium (ExAC), NHLBI Exome Sequencing Project (ESP), and 1000 Genomes Project. In the ESP, this variant was not observed in 6503 samples (13006 alleles) with coverage at this position. This amino acid position is well conserved in available vertebrate species. In addition, the in silico prediction for this alteration is inconclusive. Since supporting evidence is limited at this time, the clinical significance of this variant remains unclear.

NM_002230.4(JUP):c.1814C>T (p.Ala605Val)

Gene: JUP (junction plakoglobin; minus strand). Cytogenetic location: 17q21.2.
Variant type: single nucleotide variant.
Coding change: c.1814C>T on transcript NM_002230.4 (MANE Select); coding-DNA position 1814, C replaced by T.
Protein change: p.Ala605Val; replaces alanine 605 with valine.
Molecular consequence: missense variant.
Genome position (GRCh38, 1-based): chr17:41,757,744, G>A on the plus strand (C>T on the coding strand, the complement: JUP is on the minus strand). VCF-style: chr17-41757744-G-A. GRCh37 (hg19) VCF-style: chr17-39913996-G-A.
Other names: c.1814C>T, p.Ala605Val (NM_001352773.2, NM_001352774.2, NM_001352775.2 and 3 more transcripts); short protein forms A605V.
Identifiers: ClinVar variation 519275 (VCV000519275.5), dbSNP rs954113545, ClinGen allele CA399492536.